The following is an entry in ClinVar:

ClinVar aggregate classification (germline): Uncertain significance (1 of 4 stars; one submission).

Conditions:
Regional enteritis. Also called: Enteritis, Granulomatous. Identifiers: MedGen C0678202, MeSH D003424.
Blau syndrome (BLAUS). Also called: GRANULOMATOSIS, FAMILIAL JUVENILE SYSTEMIC; GRANULOMATOSIS, FAMILIAL, BLAU TYPE; GRANULOMATOUS INFLAMMATORY ARTHRITIS, DERMATITIS, AND UVEITIS, FAMILIAL; JABS SYNDROME; ARTHROCUTANEOUVEAL GRANULOMATOSIS. Identifiers: Orphanet 90340, MedGen C5201146, MONDO:0008523, OMIM 186580.

Submission:

Labcorp Genetics (formerly Invitae), Labcorp
Classification: Uncertain significance for Regional enteritis; Blau syndrome. Last evaluated: 2020-10-22. Review status: criteria provided, single submitter. Criteria: Invitae Variant Classification Sherloc (09022015). Collection method: clinical testing. Allele origin: germline.
Comment: This sequence change replaces alanine with threonine at codon 428 of the NOD2 protein (p.Ala428Thr). The alanine residue is weakly conserved and there is a small physicochemical difference between alanine and threonine. This variant is not present in population databases (ExAC no frequency). This variant has not been reported in the literature in individuals with NOD2-related conditions. Advanced modeling of protein sequence and biophysical properties (such as structural, functional, and spatial information, amino acid conservation, physicochemical variation, residue mobility, and thermodynamic stability) performed at Invitae indicates that this missense variant is not expected to disrupt NOD2 protein function. In summary, the available evidence is currently insufficient to determine the role of this variant in disease. Therefore, it has been classified as a Variant of Uncertain Significance.

NM_001370466.1(NOD2):c.1201G>A (p.Ala401Thr)

Gene: NOD2 (nucleotide binding oligomerization domain containing 2; plus strand). Cytogenetic location: 16q12.1.
Variant type: single nucleotide variant.
Coding change: c.1201G>A on transcript NM_001370466.1 (MANE Select); coding-DNA position 1201, G replaced by A.
Protein change: p.Ala401Thr; replaces alanine 401 with threonine.
Molecular consequence: missense variant. On other transcripts: non-coding transcript variant (1).
Genome position (GRCh38, 1-based): chr16:50,711,193, G>A. VCF-style: chr16-50711193-G-A. GRCh37 (hg19) VCF-style: chr16-50745104-G-A.
Other names: c.1201G>A, p.Ala401Thr (NM_001293557.2); c.1282G>A, p.Ala428Thr (NM_022162.3); short protein forms A428T, A401T.
Identifiers: ClinVar variation 1037619 (VCV001037619.9), dbSNP rs1964470443, ClinGen allele CA395868595.
Genomic context (GRCh38, chr16:50,711,193, plus strand): 5'-TTCAACCTTCTGCAGGGCAACCTGCTGAAGAATGCCCGCAAGGTGGTGACCAGCCGTCCG[G>A]CCGCTGTGTCGGCGTTCCTCAGGAAGTACATCCGCACCGAGTTCAACCTCAAGGGCTTCT-3'
Protein context (NP_001357395.1, residues 391-411): NARKVVTSRP[Ala401Thr]AVSAFLRKYI